The following is an entry in ClinVar:

NM_001035.3(RYR2):c.5628dup (p.Gly1877fs)

Gene: RYR2 (ryanodine receptor 2; plus strand). Cytogenetic location: 1q43.
Variant type: Duplication.
Coding change: c.5628dup on transcript NM_001035.3 (MANE Select); coding-DNA position 5628, one base duplicated (A; older notation c.5628dupA).
Protein change: p.Gly1877fs; shifts the reading frame from glycine 1877.
Molecular consequence: frameshift variant.
Genome position (GRCh38, 1-based): chr1:237,614,756, A duplicated; the last of 2 consecutive A bases (chr1:237,614,755-237,614,756); duplicating either gives the same sequence. VCF-style (leftmost placement, unchanged base first): chr1-237614754-C-CA. GRCh37 (hg19) VCF-style: chr1-237778054-C-CA.
Other names: short protein forms G1877fs.
Identifiers: ClinVar variation 3252219 (VCV003252219.1), dbSNP rs2546797827.
Genomic context (GRCh38, chr1:237,614,754, plus strand): 5'-ACTCCGGAGGAGGAGAGTGACACGCTGGAGAAAGAGCTCAGTGTGGACGATGCAAAGCTG[C>CA]AAGGAGCTGGTGAGGAAGAAGCCAAGGGGGGCAAGCGGCCCAAGGAAGGCCTGCTCCAAA-3'

ClinVar aggregate classification (germline): Uncertain significance (1 of 4 stars; one submission).

Submission:

GeneDx
Classification: Uncertain significance. Last evaluated: 2023-12-18. Review status: criteria provided, single submitter. Criteria: GeneDx Variant Classification Process June 2021. Collection method: clinical testing. Allele origin: germline. Affected: yes.
Comment: Not observed at significant frequency in large population cohorts (gnomAD); Frameshift variant predicted to result in protein truncation or nonsense mediated decay in a gene or region of a gene for which loss of function is not a well-established mechanism of disease; Has not been previously published as pathogenic or benign to our knowledge